The following is an entry in ClinVar:

ClinVar aggregate classification (germline): Uncertain significance. Review status: criteria provided, multiple submitters, no conflicts (2 of 4 stars). 4 submissions from 4 submitters: Uncertain significance (4). Last evaluated 2025-11-26.

Conditions:
Myofibrillar myopathy 5. Also called: Filaminopathy (type); FILAMINOPATHY, AUTOSOMAL DOMINANT. Identifiers: Orphanet 171445, MedGen C1836050, MONDO:0012289, OMIM 609524.
Hypertrophic cardiomyopathy 26. Also called: Cardiomyopathy, familial hypertrophic, 26. Identifiers: Orphanet 75249, MedGen C4310749, MONDO:0014883, OMIM 617047.
Distal myopathy with posterior leg and anterior hand involvement. Also called: WILLIAMS DISTAL MYOPATHY. Identifiers: Orphanet 63273, MedGen C3279722, MONDO:0013550, OMIM 614065.
Cardiovascular phenotype. Identifiers: MedGen CN230736.

Allele frequency attached by ClinVar (database versions not stated): TOPMed below 0.00001; gnomAD 0.00001; gnomAD exomes 0.00001.

Submissions (4):

Ambry Genetics
Classification: Uncertain significance for Cardiovascular phenotype. Last evaluated: 2025-11-26. Review status: criteria provided, single submitter. Criteria: Ambry Variant Classification Scheme 2023. Collection method: clinical testing. Allele origin: germline.
Comment: The p.R2187C variant (also known as c.6559C>T), located in coding exon 40 of the FLNC gene, results from a C to T substitution at nucleotide position 6559. The arginine at codon 2187 is replaced by cysteine, an amino acid with highly dissimilar properties. This variant was detected in a cardiomyopathy/arrhythmia genetic testing cohort; however, clinical details were limited, and additional cardiac variants were detected in some cases (van Lint FHM et al. Neth Heart J, 2019 Jun;27:304-309). This amino acid position is highly conserved in available vertebrate species. In addition, this alteration is predicted to be deleterious by in silico analysis. Based on the available evidence, the clinical significance of this variant remains unclear.

Labcorp Genetics (formerly Invitae), Labcorp
Classification: Uncertain significance for Distal myopathy with posterior leg and anterior hand involvement; Myofibrillar myopathy 5; Hypertrophic cardiomyopathy 26. Last evaluated: 2025-09-27. Review status: criteria provided, single submitter. Criteria: Invitae Variant Classification Sherloc (09022015). Collection method: clinical testing. Allele origin: germline.
Comment: This sequence change replaces arginine, which is basic and polar, with cysteine, which is neutral and slightly polar, at codon 2187 of the FLNC protein (p.Arg2187Cys). This variant is present in population databases (no rsID available, gnomAD 0.002%). This missense change has been observed in individual(s) with arrhythmogenic cardiomyopathy (PMID: 32112656). ClinVar contains an entry for this variant (Variation ID: 1676876). An algorithm developed to predict the effect of missense changes on protein structure and function (PolyPhen-2) suggests that this variant is likely to be tolerated. In summary, the available evidence is currently insufficient to determine the role of this variant in disease. Therefore, it has been classified as a Variant of Uncertain Significance.

GeneDx
Classification: Uncertain significance. Last evaluated: 2022-08-11. Review status: criteria provided, single submitter. Criteria: GeneDx Variant Classification Process June 2021. Collection method: clinical testing. Allele origin: germline. Affected: yes.
Comment: Has been reported as a variant of uncertain significance in an individual with arrhythmogenic cardiomyopathy in published literature (Verdonschot et al., 2020); Not observed at significant frequency in large population cohorts (gnomAD); In silico analysis supports that this missense variant does not alter protein structure/function; This variant is associated with the following publications: (PMID: 32112656)

Fulgent Genetics
Classification: Uncertain significance for Myofibrillar myopathy 5; Distal myopathy with posterior leg and anterior hand involvement; Hypertrophic cardiomyopathy 26. Last evaluated: 2021-07-29. Review status: criteria provided, single submitter. Criteria: ACMG Guidelines, 2015. Collection method: clinical testing. Allele origin: unknown.

Literature cited by the submitters: PubMed 30847666 (cited by Ambry Genetics); PubMed 32112656 (cited by Labcorp Genetics (formerly Invitae), Labcorp).

NM_001458.5(FLNC):c.6559C>T (p.Arg2187Cys)

Genes: FLNC-AS1 (FLNC antisense RNA 1; minus strand), FLNC (filamin C; plus strand). Cytogenetic location: 7q32.1.
Variant type: single nucleotide variant.
Coding change: c.6559C>T on transcript NM_001458.5 (MANE Select); coding-DNA position 6559, C replaced by T.
Protein change: p.Arg2187Cys; replaces arginine 2187 with cysteine.
Molecular consequence: missense variant.
Genome position (GRCh38, 1-based): chr7:128,854,048, C>T. VCF-style: chr7-128854048-C-T. GRCh37 (hg19) VCF-style: chr7-128494102-C-T.
Other names: c.6460C>T, p.Arg2154Cys (NM_001127487.2); short protein forms R2154C, R2187C.
Identifiers: ClinVar variation 1676876 (VCV001676876.8), dbSNP rs747336635, ClinGen allele CA369212820.